The following is an entry in ClinVar:

ClinVar aggregate classification (germline): Pathogenic. Review status: criteria provided, multiple submitters, no conflicts (2 of 4 stars). 5 submissions from 5 submitters: Pathogenic (5). Last evaluated 2024-05-28.

Conditions:
Hereditary cancer-predisposing syndrome. Also called: Hereditary Cancer Syndrome; Neoplastic Syndromes, Hereditary; Hereditary neoplastic syndrome; Tumor predisposition. Identifiers: Orphanet 140162, MedGen C0027672, MeSH D009386, MONDO:0015356.
Birt-Hogg-Dube syndrome. Also called: Birt Hogg Dubé syndrome. Identifiers: Orphanet 122, MedGen C0346010, MONDO:0800444.

Submissions (5):

GeneDx
Classification: Pathogenic. Last evaluated: 2024-05-28. Review status: criteria provided, single submitter. Criteria: GeneDx Variant Classification Process June 2021. Collection method: clinical testing. Allele origin: germline. Affected: yes.
Comment: Frameshift variant predicted to result in protein truncation or nonsense mediated decay in a gene for which loss of function is a known mechanism of disease; Not observed at significant frequency in large population cohorts (gnomAD); This variant is associated with the following publications: (PMID: 19802896, 21937013, 18234728, 23757202, 22146830, 24910976)

Ambry Genetics
Classification: Pathogenic for Hereditary cancer-predisposing syndrome. Last evaluated: 2022-11-29. Review status: criteria provided, single submitter. Criteria: Ambry Variant Classification Scheme 2023. Collection method: clinical testing. Allele origin: germline.
Comment: The c.319_320delGTinsCAC pathogenic mutation, located in coding exon 2 of the FLCN gene, results from the deletion of two nucleotides and insertion of three nucleotides at positions 319 to 320, causing a translational frameshift with a predicted alternate stop codon (p.V107Hfs*26). This mutation has been reported in multiple families with Birt-Hogg-Dub&eacute; syndrome (Toro JR et al J. Med. Genet. 2008 Jun; 45(6):321-31; Houweling AC et al. Br. J. Cancer 2011 Dec;105(12):1912-9; Gijezen LM et al. PLoS ONE 2014 Jun;9(6):e99071). Of note, this alteration is also designated as c.774-5delGTinsCAC in published literature. This variant is considered to be rare based on population cohorts in the Genome Aggregation Database (gnomAD). In addition to the clinical data presented in the literature, this alteration is expected to result in loss of function by premature protein truncation or nonsense-mediated mRNA decay. As such, this alteration is interpreted as a disease-causing mutation.

Labcorp Genetics (formerly Invitae), Labcorp
Classification: Pathogenic for Birt-Hogg-Dube syndrome. Last evaluated: 2021-04-28. Review status: criteria provided, single submitter. Criteria: Invitae Variant Classification Sherloc (09022015). Collection method: clinical testing. Allele origin: germline.
Comment: This sequence change creates a premature translational stop signal (p.Val107Hisfs*26) in the FLCN gene. It is expected to result in an absent or disrupted protein product. Loss-of-function variants in FLCN are known to be pathogenic (PMID: 15852235). This variant is not present in population databases (ExAC no frequency). This variant has been observed in individual(s) with Birt-Hogg-Dub√© syndrome (PMID: 18234728, 22146830, 24910976). It is also known as c.774-5delGTinsCAC. ClinVar contains an entry for this variant (Variation ID: 96483). For these reasons, this variant has been classified as Pathogenic.

Genomic Diagnostic Laboratory, Division of Genomic Diagnostics, Children's Hospital of Philadelphia
Classification: Pathogenic for Birt-Hogg-Dube Syndrome. Last evaluated: 2016-07-18. Review status: criteria provided, single submitter. Criteria: DGD Variant Analysis Guidelines. Collection method: clinical testing. Allele origin: germline. Affected: yes. Observed: 2 variant alleles.
Comment: Clinical Testing

Eurofins Ntd Llc (ga)
Classification: Pathogenic. Last evaluated: 2012-12-18. Review status: criteria provided, single submitter. Criteria: EGL Classification Definitions 2015. Collection method: clinical testing. Allele origin: germline. Observed: 1 variant allele, 1 heterozygote.

Literature cited by the submitters: PubMed 18234728 (cited by Ambry Genetics and Labcorp Genetics (formerly Invitae), Labcorp); PubMed 22146830 (cited by Ambry Genetics and Labcorp Genetics (formerly Invitae), Labcorp); PubMed 24910976 (cited by Ambry Genetics and Labcorp Genetics (formerly Invitae), Labcorp); PubMed 15852235 (cited by Labcorp Genetics (formerly Invitae), Labcorp).

NM_144997.7(FLCN):c.319_320delinsCAC (p.Val107fs)

Gene: FLCN (folliculin; minus strand). Cytogenetic location: 17p11.2.
Variant type: Indel.
Coding change: c.319_320delinsCAC on transcript NM_144997.7 (MANE Select); coding-DNA positions 319 to 320, GT replaced by CAC.
Protein change: p.Val107fs; shifts the reading frame from valine 107.
Molecular consequence: frameshift variant.
Genome position (GRCh38, 1-based): chr17:17,226,252-17,226,253, AC replaced by GTG on the plus strand (GT replaced by CAC on the coding strand, the reverse complement: FLCN is on the minus strand). VCF-style: chr17-17226252-AC-GTG. GRCh37 (hg19) VCF-style: chr17-17129566-AC-GTG.
Other names: c.319_320delGTinsCAC (LRG_325t1); c.319_320delinsCAC, p.Val107fs (NM_001353229.2, NM_001353230.2, NM_001353231.2 and 1 more transcripts); short protein forms V107fs.
Identifiers: ClinVar variation 96483 (VCV000096483.14), dbSNP rs398124535, ClinGen allele CA224168.